The following is an entry in ClinVar:

ClinVar aggregate classification (germline): Uncertain significance (1 of 4 stars; one submission).

Submission:

Biesecker Lab/Clinical Genomics Section, National Institutes of Health
Classification: Uncertain significance. Last evaluated: 2013-06-24. Review status: criteria provided, single submitter. Criteria: Ng et al. (Circ Cardiovasc Genet. 2013). Collection method: research. Allele origin: unknown. Observed: 1 variant allele. Study: ClinSeq.
Comment: The study set was not selected for affection status in relation to any cancer. Pathogenicity categories were based on literature curation. See Pubmed ID:23861362 for details.

Medical sequencing

NM_001267550.2(TTN):c.105036C>T (p.Tyr35012=)

Genes: TTN (titin; minus strand), TTN-AS1 (TTN antisense RNA 1; plus strand). Cytogenetic location: 2q31.2.
Variant type: single nucleotide variant.
Coding change: c.105036C>T on transcript NM_001267550.2 (MANE Select); coding-DNA position 105036, C replaced by T.
Protein change: p.Tyr35012=; no amino-acid change (tyrosine 35012 retained).
Molecular consequence: synonymous variant.
Genome position (GRCh38, 1-based): chr2:178,531,579, G>A on the plus strand (C>T on the coding strand, the complement: TTN is on the minus strand). VCF-style: chr2-178531579-G-A. GRCh37 (hg19) VCF-style: chr2-179396306-G-A.
Other names: c.100113C>T, p.Tyr33371= (NM_001256850.1); c.77841C>T, p.Tyr25947= (NM_003319.4); c.97332C>T, p.Tyr32444= (NM_133378.4); c.78216C>T, p.Tyr26072= (NM_133432.3); c.78417C>T, p.Tyr26139= (NM_133437.4).
Identifiers: ClinVar variation 191813 (VCV000191813.1), dbSNP rs786205292, ClinGen allele CA237608.